The following is an entry in ClinVar:

ClinVar aggregate classification (germline): Benign/Likely benign. Review status: criteria provided, multiple submitters, no conflicts (2 of 4 stars). 3 submissions from 3 submitters: Benign (1); Likely benign (1). 1 of the submissions does not count toward it. Last evaluated 2024-10-03.

Conditions:
NOTCH2-related disorder. Also called: NOTCH2-related condition.

Allele frequency attached by ClinVar (database versions not stated): gnomAD exomes 0.00003 and 0.00013; 1000 Genomes Project 30x 0.00016; 1000 Genomes Project 0.00020; gnomAD 0.00042 and 0.00047; TOPMed 0.00057.
gnomAD v4.1: 115 of 1,613,860 alleles (0.0071%); highest among the groups gnomAD compares: African/African-American, 0.14%; no homozygotes.

Submissions (3):

Blueprint Genetics
Classification: Likely benign. Last evaluated: 2024-10-03. Review status: criteria provided, single submitter. Criteria: ACMG Guidelines, 2015. Collection method: clinical testing. Allele origin: germline.

GeneDx
Classification: Benign. Last evaluated: 2021-04-09. Review status: criteria provided, single submitter. Criteria: GeneDx Variant Classification Process June 2021. Collection method: clinical testing. Allele origin: germline. Affected: yes.

PreventionGenetics, part of Exact Sciences
Classification: Likely benign for NOTCH2-related condition. Last evaluated: 2019-04-04. Review status: no assertion criteria provided. Collection method: clinical testing. Allele origin: germline. Not counted in ClinVar's aggregate classification.
Comment: This variant is classified as likely benign based on ACMG/AMP sequence variant interpretation guidelines (Richards et al. 2015 PMID: 25741868, with internal and published modifications).

NM_024408.4(NOTCH2):c.3655+54A>G

Gene: NOTCH2 (notch receptor 2; minus strand). Cytogenetic location: 1p12.
Variant type: single nucleotide variant.
Coding change: c.3655+54A>G on transcript NM_024408.4 (MANE Select); 54 bases into the intron after coding-DNA position 3655, A replaced by G.
Molecular consequence: intron variant. On other transcripts: 3 prime UTR variant (1).
Genome position (GRCh38, 1-based): chr1:119,935,418, T>C on the plus strand (A>G on the coding strand, the complement: NOTCH2 is on the minus strand). VCF-style: chr1-119935418-T-C. GRCh37 (hg19) VCF-style: chr1-120478041-T-C.
Other names: c.3655+54A>G (NM_024408.3); c.*1A>G (NM_001200001.2).
Identifiers: ClinVar variation 1287858 (VCV001287858.4), dbSNP rs587664838, ClinGen allele CA1040006.
Genomic context (GRCh38, chr1:119,935,418, plus strand): 5'-GGAATGAAGCTAGTCTTCCTATCTTTAATTTTATAAAATCCCCTGAACACTAAGAATGGA[T>C]TTATAACTTAAGACAATGCCCTGGATGGAAAATGGATAAGGATGATTTCATACCCCGAGT-3'